The following is an entry in ClinVar:

ClinVar aggregate classification (germline): Uncertain significance. Review status: criteria provided, multiple submitters, no conflicts (2 of 4 stars). 2 submissions from 2 submitters: Uncertain significance (2). Last evaluated 2024-03-05.

gnomAD v4.1: 2 of 1,612,976 alleles (0.00012%); highest among the groups gnomAD compares: Non-Finnish European, 0.00017%; no homozygotes.

Submissions (2):

GeneDx
Classification: Uncertain significance. Last evaluated: 2024-03-05. Review status: criteria provided, single submitter. Criteria: GeneDx Variant Classification Process June 2021. Collection method: clinical testing. Allele origin: germline. Affected: yes.
Comment: Reported in a patient with type 2 diabetes mellitus in published literature (PMID: 37277527); Not observed at significant frequency in large population cohorts (gnomAD); In silico analysis supports that this missense variant does not alter protein structure/function; This variant is associated with the following publications: (PMID: 37277527)

Labcorp Genetics (formerly Invitae), Labcorp
Classification: Uncertain significance. Last evaluated: 2022-04-12. Review status: criteria provided, single submitter. Criteria: Invitae Variant Classification Sherloc (09022015). Collection method: clinical testing. Allele origin: germline.
Comment: This variant is not present in population databases (gnomAD no frequency). This sequence change replaces phenylalanine, which is neutral and non-polar, with leucine, which is neutral and non-polar, at codon 783 of the WFS1 protein (p.Phe783Leu). This variant has not been reported in the literature in individuals affected with WFS1-related conditions. In summary, the available evidence is currently insufficient to determine the role of this variant in disease. Therefore, it has been classified as a Variant of Uncertain Significance. Advanced modeling of protein sequence and biophysical properties (such as structural, functional, and spatial information, amino acid conservation, physicochemical variation, residue mobility, and thermodynamic stability) performed at Invitae indicates that this missense variant is not expected to disrupt WFS1 protein function.

NM_006005.3(WFS1):c.2349C>A (p.Phe783Leu)

Gene: WFS1 (wolframin ER transmembrane glycoprotein; plus strand). Cytogenetic location: 4p16.1.
Variant type: single nucleotide variant.
Coding change: c.2349C>A on transcript NM_006005.3 (MANE Select); coding-DNA position 2349, C replaced by A.
Protein change: p.Phe783Leu; replaces phenylalanine 783 with leucine.
Molecular consequence: missense variant.
Genome position (GRCh38, 1-based): chr4:6,302,144, C>A. VCF-style: chr4-6302144-C-A. GRCh37 (hg19) VCF-style: chr4-6303871-C-A.
Other names: c.2349C>A, p.Phe783Leu (NM_001145853.1); short protein forms F783L.
Identifiers: ClinVar variation 2125078 (VCV002125078.5), dbSNP rs759746525, ClinGen allele CA356178415.
Genomic context (GRCh38, chr4:6,302,144, plus strand): 5'-CCCCTGCCACATCAAGAAGTTCGACCGCTACAAGTTTGAGATTACCGTGGGCATGCCATT[C>A]AGCAGCGGCGCTGACGGCTCGCGCAGCCGCGAGGAGGACGACGTCACCAAGGACATCGTG-3'
Protein context (NP_005996.2, residues 773-793): YKFEITVGMP[Phe783Leu]SSGADGSRSR